The following is an entry in ClinVar:

ClinVar aggregate classification (germline): Uncertain significance (1 of 4 stars; one submission).

gnomAD v4.1: 12 of 1,614,078 alleles (0.00074%); highest among the groups gnomAD compares: Non-Finnish European, 0.001%; no homozygotes.

Submission:

Labcorp Genetics (formerly Invitae), Labcorp
Classification: Uncertain significance. Last evaluated: 2025-12-17. Review status: criteria provided, single submitter. Criteria: Invitae Variant Classification Sherloc (09022015). Collection method: clinical testing. Allele origin: germline.
Comment: This sequence change replaces alanine, which is neutral and non-polar, with valine, which is neutral and non-polar, at codon 56 of the APOL1 protein (p.Ala56Val). This variant is present in population databases (rs776494978, gnomAD 0.007%). This variant has not been reported in the literature in individuals affected with APOL1-related conditions. An algorithm developed to predict the effect of missense changes on protein structure and function outputs the following: PolyPhen-2: "Possibly Damaging". The valine amino acid residue is found in multiple mammalian species, which suggests that this missense change does not adversely affect protein function. In summary, the available evidence is currently insufficient to determine the role of this variant in disease. Therefore, it has been classified as a Variant of Uncertain Significance.

NM_003661.4(APOL1):c.167C>T (p.Ala56Val)

Gene: APOL1 (apolipoprotein L1; plus strand). Cytogenetic location: 22q12.3.
Variant type: single nucleotide variant.
Coding change: c.167C>T on transcript NM_003661.4 (MANE Select); coding-DNA position 167, C replaced by T.
Protein change: p.Ala56Val; replaces alanine 56 with valine.
Molecular consequence: missense variant.
Genome position (GRCh38, 1-based): chr22:36,257,387, C>T. VCF-style: chr22-36257387-C-T. GRCh37 (hg19) VCF-style: chr22-36653433-C-T.
Other names: c.167C>T, p.Ala56Val (NM_001136540.2); c.113C>T, p.Ala38Val (NM_001136541.2, NM_001362927.2); c.215C>T, p.Ala72Val (NM_145343.3); short protein forms A56V, A72V, A38V.
Identifiers: ClinVar variation 4778348 (VCV004778348.1).
Genomic context (GRCh38, chr22:36,257,387, plus strand): 5'-AAAACGTTCCAAGTGGGACAGATACTGGAGATCCTCAAAGTAAGCCCCTCGGTGACTGGG[C>T]TGCTGGCACCATGGACCCAGGTAGGCTCACCTCCTCTTCCCTGCTGGTTCCTACTCGCAC-3'
Protein context (NP_003652.2, residues 46-66): DPQSKPLGDW[Ala56Val]AGTMDPESSI